The following is an entry in ClinVar:

ClinVar aggregate classification (germline): Uncertain significance (1 of 4 stars; one submission).

Conditions:
Achondrogenesis, type IA (ACG1A). Identifiers: Orphanet 932, Orphanet 93299, MedGen C0265273, MONDO:0008701, OMIM 200600.

Submission:

Labcorp Genetics (formerly Invitae), Labcorp
Classification: Uncertain significance for Achondrogenesis, type IA. Last evaluated: 2025-03-18. Review status: criteria provided, single submitter. Criteria: Invitae Variant Classification Sherloc (09022015). Collection method: clinical testing. Allele origin: germline.
Comment: This sequence change replaces isoleucine, which is neutral and non-polar, with valine, which is neutral and non-polar, at codon 60 of the TRIP11 protein (p.Ile60Val). This variant is not present in population databases (gnomAD no frequency). This variant has not been reported in the literature in individuals affected with TRIP11-related conditions. ClinVar contains an entry for this variant (Variation ID: 2133721). Invitae Evidence Modeling of protein sequence and biophysical properties (such as structural, functional, and spatial information, amino acid conservation, physicochemical variation, residue mobility, and thermodynamic stability) indicates that this missense variant is not expected to disrupt TRIP11 protein function with a negative predictive value of 80%. In summary, the available evidence is currently insufficient to determine the role of this variant in disease. Therefore, it has been classified as a Variant of Uncertain Significance.

NM_004239.4(TRIP11):c.178A>G (p.Ile60Val)

Gene: TRIP11 (thyroid hormone receptor interactor 11; minus strand). Cytogenetic location: 14q32.12.
Variant type: single nucleotide variant.
Coding change: c.178A>G on transcript NM_004239.4 (MANE Select); coding-DNA position 178, A replaced by G.
Protein change: p.Ile60Val; replaces isoleucine 60 with valine.
Molecular consequence: missense variant.
Genome position (GRCh38, 1-based): chr14:92,033,215, T>C on the plus strand (A>G on the coding strand, the complement: TRIP11 is on the minus strand). VCF-style: chr14-92033215-T-C. GRCh37 (hg19) VCF-style: chr14-92499559-T-C.
Other names: c.175A>G, p.Ile59Val (NM_001321851.1); short protein forms I59V, I60V.
Identifiers: ClinVar variation 2133721 (VCV002133721.4), dbSNP rs2543103537, ClinGen allele CA390667482.